The following is an entry in ClinVar:

NM_006060.6(IKZF1):c.161-8184A>T

Gene: IKZF1 (IKAROS family zinc finger 1; plus strand). Cytogenetic location: 7p12.2.
Variant type: single nucleotide variant.
Coding change: c.161-8184A>T on transcript NM_006060.6 (MANE Select); 8184 bases into the intron before coding-DNA position 161, A replaced by T.
Molecular consequence: intron variant. On other transcripts: synonymous variant (1).
Genome position (GRCh38, 1-based): chr7:50,368,349, A>T. VCF-style: chr7-50368349-A-T. GRCh37 (hg19) VCF-style: chr7-50436047-A-T.
Other names: c.504A>T, p.Thr168= (NM_001291845.2); c.220+284A>T (NM_001410879.1, NM_001291846.2, NM_001291847.2); c.161-14191A>T (NM_001291839.2, NM_001291838.2, NM_001220767.2 and 1 more transcripts); c.161-8184A>T (NM_001220765.3, NM_001291837.2, NM_001220768.2 and 1 more transcripts); c.161-18996A>T (NM_001291841.1, NM_001291842.1); c.161-23380A>T (NM_001291843.1, NM_001291844.1); c.161-31569A>T (NM_001291840.1).
Identifiers: ClinVar variation 4084833 (VCV004084833.8).

ClinVar aggregate classification (germline): Likely benign (1 of 4 stars; one submission).

gnomAD v4.1: 13 of 697,776 alleles (0.0019%); highest among the groups gnomAD compares: Middle Eastern, 0.023%; no homozygotes.

Submission:

CeGaT Center for Human Genetics Tuebingen
Classification: Likely benign. Last evaluated: 2025-08-01. Review status: criteria provided, single submitter. Criteria: CeGaT Center For Human Genetics Tuebingen Variant Classification Criteria Version 2. Collection method: clinical testing. Allele origin: germline. Affected: yes. Observed: 1 variant allele.
Comment: IKZF1: BP4, BP7